The following is an entry in ClinVar:

ClinVar aggregate classification (germline): Uncertain significance (1 of 4 stars; one submission).

Conditions:
Hypertrophic cardiomyopathy. Also called: HYPERTROPHIC MYOCARDIOPATHY. Identifiers: Orphanet 217569, MedGen C0007194, MeSH D002312, MONDO:0005045, HP:0001639.

Submission:

Labcorp Genetics (formerly Invitae), Labcorp
Classification: Uncertain significance for Hypertrophic cardiomyopathy. Last evaluated: 2022-09-29. Review status: criteria provided, single submitter. Criteria: Invitae Variant Classification Sherloc (09022015). Collection method: clinical testing. Allele origin: germline.
Comment: Advanced modeling of protein sequence and biophysical properties (such as structural, functional, and spatial information, amino acid conservation, physicochemical variation, residue mobility, and thermodynamic stability) performed at Invitae indicates that this missense variant is not expected to disrupt MYOM1 protein function. In summary, the available evidence is currently insufficient to determine the role of this variant in disease. Therefore, it has been classified as a Variant of Uncertain Significance. This variant has not been reported in the literature in individuals affected with MYOM1-related conditions. This variant is not present in population databases (gnomAD no frequency). This sequence change replaces lysine, which is basic and polar, with threonine, which is neutral and polar, at codon 1030 of the MYOM1 protein (p.Lys1030Thr).

NM_003803.4(MYOM1):c.3089A>C (p.Lys1030Thr)

Gene: MYOM1 (myomesin 1; minus strand). Cytogenetic location: 18p11.31.
Variant type: single nucleotide variant.
Coding change: c.3089A>C on transcript NM_003803.4 (MANE Select); coding-DNA position 3089, A replaced by C.
Protein change: p.Lys1030Thr; replaces lysine 1030 with threonine.
Molecular consequence: missense variant.
Genome position (GRCh38, 1-based): chr18:3,119,898, T>G on the plus strand (A>C on the coding strand, the complement: MYOM1 is on the minus strand). VCF-style: chr18-3119898-T-G. GRCh37 (hg19) VCF-style: chr18-3119896-T-G.
Other names: c.2801A>C, p.Lys934Thr (NM_019856.2); short protein forms K934T, K1030T.
Identifiers: ClinVar variation 1991565 (VCV001991565.4), dbSNP rs902378657, ClinGen allele CA401706867.